The following is an entry in ClinVar:

NM_133433.4(NIPBL):c.4240-14T>G

Gene: NIPBL (NIPBL cohesin loading factor; plus strand). Cytogenetic location: 5p13.2.
Variant type: single nucleotide variant.
Coding change: c.4240-14T>G on transcript NM_133433.4 (MANE Select); 14 bases into the intron before coding-DNA position 4240, T replaced by G.
Molecular consequence: intron variant.
Genome position (GRCh38, 1-based): chr5:37,007,994, T>G. VCF-style: chr5-37007994-T-G. GRCh37 (hg19) VCF-style: chr5-37008096-T-G.
Other names: c.4240-14T>G (NM_015384.5).
Identifiers: ClinVar variation 159108 (VCV000159108.24), dbSNP rs298972, ClinGen allele CA172694.

ClinVar aggregate classification (germline): Benign. Review status: criteria provided, multiple submitters, no conflicts (2 of 4 stars). 8 submissions from 8 submitters: Benign (8). Last evaluated 2026-02-03.

Conditions:
Cornelia de Lange syndrome 1 (CDLS1). Also called: TYPUS DEGENERATIVUS AMSTELODAMENSIS; Brachmann de Lange syndrome; NIPBL-Related Cornelia de Lange Syndrome. Identifiers: Orphanet 199, MedGen C4551851, MONDO:0007387, OMIM 122470.

Allele frequency attached by ClinVar (database versions not stated): gnomAD exomes 0.00168 and 0.00471; ExAC 0.00625; gnomAD 0.01787 and 0.01903; TOPMed 0.02039; 1000 Genomes Project 0.02117; ESP Exome Variant Server 0.02193; 1000 Genomes Project 30x 0.02280.
gnomAD v4.1: 5,120 of 1,523,158 alleles (0.34%); highest among the groups gnomAD compares: African/African-American, 6.2%; 145 homozygotes.

Submissions (15):

Labcorp Genetics (formerly Invitae), Labcorp
Classification: Benign for Cornelia de Lange syndrome 1. Last evaluated: 2026-02-03. Review status: criteria provided, single submitter. Criteria: Invitae Variant Classification Sherloc (09022015). Collection method: clinical testing. Allele origin: germline.

Genome-Nilou Lab
Classification: Benign for Cornelia de Lange syndrome 1. Last evaluated: 2021-07-15. Review status: criteria provided, single submitter. Criteria: ACMG Guidelines, 2015. Collection method: clinical testing. Allele origin: germline. Affected: no.

Illumina Laboratory Services, Illumina
Classification: Benign for Cornelia de Lange syndrome 1. Last evaluated: 2018-01-12. Review status: criteria provided, single submitter. Criteria: ICSL Variant Classification Criteria 13 December 2019. Collection method: clinical testing. Allele origin: germline.
Comment: This variant was observed in the ICSL laboratory as part of a predisposition screen in an ostensibly healthy population. It had not been previously curated by ICSL or reported in the Human Gene Mutation Database (HGMD: prior to June 1st, 2018), and was therefore a candidate for classification through an automated scoring system. Utilizing variant allele frequency, disease prevalence and penetrance estimates, and inheritance mode, an automated score was calculated to assess if this variant is too frequent to cause the disease. Based on the score and internal cut-off values, a variant classified as benign is not then subjected to further curation. The score for this variant resulted in a classification of benign for this disease.

Eurofins Ntd Llc (ga)
Classification: Benign. Last evaluated: 2016-05-26. Review status: criteria provided, single submitter. Criteria: EGL Classification Definitions 2015. Collection method: clinical testing. Allele origin: germline. Observed: 1 variant allele, 1 heterozygote.

GeneDx
Classification: Benign. Last evaluated: 2015-11-03. Review status: criteria provided, single submitter. Criteria: GeneDx Variant Classification (06012015). Collection method: clinical testing. Allele origin: germline. Affected: yes.
Comment: This variant is considered likely benign or benign based on one or more of the following criteria: it is a conservative change, it occurs at a poorly conserved position in the protein, it is predicted to be benign by multiple in silico algorithms, and/or has population frequency not consistent with disease.

Genetic Services Laboratory, University of Chicago
Classification: Benign. Last evaluated: 2013-02-08. Review status: criteria provided, single submitter. Criteria: ACMG Guidelines, 2007. Collection method: clinical testing. Allele origin: germline. Inheritance: Autosomal dominant inheritance.

Breakthrough Genomics
Classification: Benign. Review status: criteria provided, single submitter. Criteria: ACMG Guidelines, 2015. Collection method: not provided. Allele origin: germline. Inheritance: Autosomal dominant inheritance. Affected: yes.

PreventionGenetics, part of Exact Sciences
Classification: Benign. Review status: criteria provided, single submitter. Criteria: ACMG Guidelines, 2015. Collection method: clinical testing. Allele origin: germline.

Dr. Peter K. Rogan Lab, Western University
No classification provided (evidence only). Condition: Lung cancer. Review status: no classification provided. Collection method: in vitro. Allele origin: not applicable. Functional consequence: retained intron. Not counted in ClinVar's aggregate classification.

Dr. Peter K. Rogan Lab, Western University
No classification provided (evidence only). Condition: Acute myeloid leukemia. Review status: no classification provided. Collection method: in vitro. Allele origin: not applicable. Functional consequence: retained intron. Not counted in ClinVar's aggregate classification.

Dr. Peter K. Rogan Lab, Western University
No classification provided (evidence only). Condition: Acute myeloid leukemia. Review status: no classification provided. Collection method: in vitro. Allele origin: not applicable. Functional consequence: retained intron. Not counted in ClinVar's aggregate classification.

Dr. Peter K. Rogan Lab, Western University
No classification provided (evidence only). Condition: Sarcoma. Review status: no classification provided. Collection method: in vitro. Allele origin: not applicable. Functional consequence: retained intron. Not counted in ClinVar's aggregate classification.

Dr. Peter K. Rogan Lab, Western University
No classification provided (evidence only). Condition: Ovarian serous cystadenocarcinoma. Review status: no classification provided. Collection method: in vitro. Allele origin: not applicable. Functional consequence: retained intron. Not counted in ClinVar's aggregate classification.

Dr. Peter K. Rogan Lab, Western University
No classification provided (evidence only). Condition: Uterine carcinosarcoma. Review status: no classification provided. Collection method: in vitro. Allele origin: not applicable. Functional consequence: retained intron. Not counted in ClinVar's aggregate classification.

Dr. Peter K. Rogan Lab, Western University
No classification provided (evidence only). Condition: Familial pancreatic carcinoma. Review status: no classification provided. Collection method: in vitro. Allele origin: not applicable. Functional consequence: retained intron. Not counted in ClinVar's aggregate classification.